The following is an entry in ClinVar:

ClinVar aggregate classification (germline): Pathogenic/Likely pathogenic. Review status: criteria provided, multiple submitters, no conflicts (2 of 4 stars). 3 submissions from 3 submitters: Pathogenic (2); Likely pathogenic (1). Last evaluated 2025-11-12.

Conditions:
Jeune thoracic dystrophy. Also called: Jeune syndrome; Infantile thoracic dystrophy; Thoracic pelvic phalangeal dystrophy; Jeune's syndrome; Chondroectodermal dysplasia-like syndrome; Short-rib thoracic dysplasia. Identifiers: Orphanet 474, MedGen C0265275, MONDO:0018770.
Asphyxiating thoracic dystrophy 3. Also called: Saldino-Noonan Syndrome; SHORT-RIB THORACIC DYSPLASIA 3 WITH OR WITHOUT POLYDACTYLY; POLYDACTYLY WITH NEONATAL CHONDRODYSTROPHY, TYPE I; SHORT-RIB THORACIC DYSPLASIA 3/6 WITH POLYDACTYLY, DIGENIC; Short rib polydactyly syndrome 2B. Identifiers: Orphanet 474, Orphanet 93269, Orphanet 93270, Orphanet 93271, MedGen C0036069, MONDO:0013127, OMIM 613091.

Allele frequency attached by ClinVar (database versions not stated): gnomAD exomes below 0.00001; TOPMed 0.00001.
gnomAD v4.1: 1 of 1,610,886 alleles (0.000062%); highest among the groups gnomAD compares: Non-Finnish European, 0.000085%; no homozygotes.

Submissions (3):

Labcorp Genetics (formerly Invitae), Labcorp
Classification: Pathogenic for Jeune thoracic dystrophy. Last evaluated: 2025-11-12. Review status: criteria provided, single submitter. Criteria: Invitae Variant Classification Sherloc (09022015). Collection method: clinical testing. Allele origin: germline.
Comment: This sequence change creates a premature translational stop signal (p.Glu2635*) in the DYNC2H1 gene. It is expected to result in an absent or disrupted protein product. Loss-of-function variants in DYNC2H1 are known to be pathogenic (PMID: 23339108, 32753734, 33755199). This variant is not present in population databases (gnomAD no frequency). This variant has not been reported in the literature in individuals affected with DYNC2H1-related conditions. ClinVar contains an entry for this variant (Variation ID: 2725791). Algorithms developed to predict the effect of sequence changes on RNA splicing suggest that this variant may disrupt the consensus splice site. For these reasons, this variant has been classified as Pathogenic.

Myriad Genetics, Inc.
Classification: Pathogenic for Asphyxiating thoracic dystrophy 3. Last evaluated: 2024-11-16. Review status: criteria provided, single submitter. Criteria: Myriad Autosomal Dominant, Autosomal Recessive and X-Linked Classification Criteria (2023). Collection method: clinical testing. Allele origin: unknown.
Comment: NM_001377.2(DYNC2H1):c.7903G>T(E2635*) is expected to be pathogenic in the context of DYNC2H1-related disorders. This variant is predicted to lead to an abnormal or absent protein product due to the creation of a premature termination codon in DYNC2H1, a gene where loss-of-function variants are known to be pathogenic. Please note: this variant was assessed in the context of healthy population screening.

Fulgent Genetics
Classification: Likely pathogenic for Asphyxiating thoracic dystrophy 3. Last evaluated: 2024-05-04. Review status: criteria provided, single submitter. Criteria: ACMG Guidelines, 2015. Collection method: clinical testing. Allele origin: germline.

Literature cited by the submitters: PubMed 23339108 (cited by Labcorp Genetics (formerly Invitae), Labcorp); PubMed 32753734 (cited by Labcorp Genetics (formerly Invitae), Labcorp); PubMed 33755199 (cited by Labcorp Genetics (formerly Invitae), Labcorp).

NM_001377.3(DYNC2H1):c.7903G>T (p.Glu2635Ter)

Gene: DYNC2H1 (dynein cytoplasmic 2 heavy chain 1; plus strand). Cytogenetic location: 11q22.3.
Variant type: single nucleotide variant.
Coding change: c.7903G>T on transcript NM_001377.3 (MANE Select); coding-DNA position 7903, G replaced by T.
Protein change: p.Glu2635Ter; replaces glutamic acid 2635 with a stop codon.
Molecular consequence: nonsense.
Genome position (GRCh38, 1-based): chr11:103,199,291, G>T. VCF-style: chr11-103199291-G-T. GRCh37 (hg19) VCF-style: chr11-103070020-G-T.
Other names: c.7903G>T, p.Glu2635Ter (NM_001080463.2); short protein forms E2635*.
Identifiers: ClinVar variation 2725791 (VCV002725791.5), dbSNP rs1862623916, ClinGen allele CA382256242.